The following is an entry in ClinVar:

ClinVar aggregate classification (germline): Uncertain significance (1 of 4 stars; one submission).

gnomAD v4.1: 4 of 1,550,260 alleles (0.00026%); highest among the groups gnomAD compares: Non-Finnish European, 0.00035%; no homozygotes.

Submission:

ARUP Laboratories, Molecular Genetics and Genomics, ARUP Laboratories
Classification: Uncertain significance. Last evaluated: 2024-08-07. Review status: criteria provided, single submitter. Criteria: ARUP Molecular Germline Variant Investigation Process 2024. Collection method: clinical testing. Allele origin: germline.
Comment: The PIEZO1 c.5312C>A; p.Pro1771His variant, to our knowledge, is not reported in the medical literature or gene specific databases. This variant is also absent from the Genome Aggregation Database (v2.1.1), indicating it is not a common polymorphism. Computational analyses are uncertain whether this variant is neutral or deleterious (REVEL: 0.379). Due to limited information, the clinical significance of this variant is uncertain at this time.

NM_001142864.4(PIEZO1):c.5312C>A (p.Pro1771His)

Gene: PIEZO1 (piezo type mechanosensitive ion channel component 1 (Er blood group); minus strand). Cytogenetic location: 16q24.3.
Variant type: single nucleotide variant.
Coding change: c.5312C>A on transcript NM_001142864.4 (MANE Select); coding-DNA position 5312, C replaced by A.
Protein change: p.Pro1771His; replaces proline 1771 with histidine.
Molecular consequence: missense variant.
Genome position (GRCh38, 1-based): chr16:88,721,629, G>T on the plus strand (C>A on the coding strand, the complement: PIEZO1 is on the minus strand). VCF-style: chr16-88721629-G-T. GRCh37 (hg19) VCF-style: chr16-88788037-G-T.
Other names: short protein forms P1771H.
Identifiers: ClinVar variation 3766764 (VCV003766764.1).